The following is an entry in ClinVar:

NM_005360.5(MAF):c.143G>C (p.Arg48Pro)

Gene: MAF (MAF bZIP transcription factor; minus strand). Cytogenetic location: 16q23.2.
Variant type: single nucleotide variant.
Coding change: c.143G>C on transcript NM_005360.5 (MANE Select); coding-DNA position 143, G replaced by C.
Protein change: p.Arg48Pro; replaces arginine 48 with proline.
Molecular consequence: missense variant.
Genome position (GRCh38, 1-based): chr16:79,599,760, C>G on the plus strand (G>C on the coding strand, the complement: MAF is on the minus strand). VCF-style: chr16-79599760-C-G. GRCh37 (hg19) VCF-style: chr16-79633657-C-G.
Other names: c.143G>C, p.Arg48Pro (NM_001031804.3); short protein forms R48P.
Identifiers: ClinVar variation 4784497 (VCV004784497.1).

ClinVar aggregate classification (germline): Uncertain significance (1 of 4 stars; one submission).

Conditions:
Cataract 21 multiple types. Also called: CATARACT 21, MULTIPLE TYPES, WITH OR WITHOUT MICROCORNEA; CATARACT 21, CERULEAN, WITH OR WITHOUT MICROCORNEA; CATARACT 21, MULTIPLE TYPES, WITH MICROCORNEA; Cataract, congenital, cerulean type, 4. Identifiers: Orphanet 91492, MedGen C1857768, MONDO:0012437, OMIM 610202.
Ayme-Gripp syndrome. Also called: Aymé-Gripp Syndrome. Identifiers: MedGen C1832812, MONDO:0010992, OMIM 601088.

Submission:

Labcorp Genetics (formerly Invitae), Labcorp
Classification: Uncertain significance for Cataract 21 multiple types; Ayme-Gripp syndrome. Last evaluated: 2025-03-22. Review status: criteria provided, single submitter. Criteria: Invitae Variant Classification Sherloc (09022015). Collection method: clinical testing. Allele origin: germline.
Comment: This sequence change replaces arginine, which is basic and polar, with proline, which is neutral and non-polar, at codon 48 of the MAF protein (p.Arg48Pro). This variant is not present in population databases (gnomAD no frequency). This variant has not been reported in the literature in individuals affected with MAF-related conditions. Experimental studies and prediction algorithms are not available or were not evaluated, and the functional significance of this variant is currently unknown. In summary, the available evidence is currently insufficient to determine the role of this variant in disease. Therefore, it has been classified as a Variant of Uncertain Significance.